The following is an entry in ClinVar:

ClinVar aggregate classification (germline): Uncertain significance (1 of 4 stars; one submission).

Submission:

Ambry Genetics
Classification: Uncertain significance. Last evaluated: 2025-03-02. Review status: criteria provided, single submitter. Criteria: Ambry Variant Classification Scheme 2023. Collection method: clinical testing. Allele origin: germline.
Comment: The p.C266Y variant (also known as c.797G>A), located in coding exon 1 of the EGLN1 gene, results from a G to A substitution at nucleotide position 797. The cysteine at codon 266 is replaced by tyrosine, an amino acid with highly dissimilar properties. This amino acid position is conserved. In addition, this alteration is predicted to be deleterious by in silico analysis. Based on the available evidence, the clinical significance of this variant remains unclear.

NM_022051.3(EGLN1):c.797G>A (p.Cys266Tyr)

Genes: EGLN1 (egl-9 family hypoxia inducible factor 1; minus strand), LOC129932769 (ATAC-STARR-seq lymphoblastoid active region 2730; plus strand). Cytogenetic location: 1q42.2.
Variant type: single nucleotide variant.
Coding change: c.797G>A on transcript NM_022051.3 (MANE Select); coding-DNA position 797, G replaced by A.
Protein change: p.Cys266Tyr; replaces cysteine 266 with tyrosine.
Molecular consequence: missense variant.
Genome position (GRCh38, 1-based): chr1:231,421,092, C>T on the plus strand (G>A on the coding strand, the complement: EGLN1 is on the minus strand). VCF-style: chr1-231421092-C-T. GRCh37 (hg19) VCF-style: chr1-231556838-C-T.
Other names: c.797G>A, p.Cys266Tyr (NM_001377260.1, NM_001377261.1); short protein forms C266Y.
Identifiers: ClinVar variation 3843894 (VCV003843894.1).